The following is an entry in ClinVar:

ClinVar aggregate classification (germline): Uncertain significance. Review status: criteria provided, multiple submitters, no conflicts (2 of 4 stars). 2 submissions from 2 submitters: Uncertain significance (2). Last evaluated 2026-01-26.

Conditions:
Hereditary cancer-predisposing syndrome. Also called: Hereditary neoplastic syndrome; Tumor predisposition; Hereditary Cancer Syndrome; Neoplastic Syndromes, Hereditary. Identifiers: Orphanet 140162, MedGen C0027672, MeSH D009386, MONDO:0015356.

Submissions (2):

Labcorp Genetics (formerly Invitae), Labcorp
Classification: Uncertain significance. Last evaluated: 2026-01-26. Review status: criteria provided, single submitter. Criteria: Invitae Variant Classification Sherloc (09022015). Collection method: clinical testing. Allele origin: germline.
Comment: This variant, c.5892_5894dup, results in the insertion of 1 amino acid(s) of the POLE protein (p.Glu1966dup), but otherwise preserves the integrity of the reading frame. This variant is present in population databases (rs757774039, gnomAD 0.0009%). This variant has not been reported in the literature in individuals affected with POLE-related conditions. In summary, the available evidence is currently insufficient to determine the role of this variant in disease. Therefore, it has been classified as a Variant of Uncertain Significance.

Ambry Genetics
Classification: Uncertain significance for Hereditary cancer-predisposing syndrome. Last evaluated: 2025-02-28. Review status: criteria provided, single submitter. Criteria: Ambry Variant Classification Scheme 2023. Collection method: clinical testing. Allele origin: germline.
Comment: The c.5892_5894dupGGA variant (also known as p.E1966dup), located in coding exon 43 of the POLE gene, results from an in-frame duplication of GGA at nucleotide positions 5892 to 5894. This results in the duplication of an extra glutamic acid residue between codons 1966 and 1967. This amino acid position is poorly conserved in available vertebrate species. In addition, this alteration is predicted to be neutral by in silico analysis (Choi Y et al. PLoS ONE. 2012; 7(10):e46688). Based on the available evidence, the clinical significance of this variant remains unclear.

NM_006231.4(POLE):c.5883GGA[5] (p.Glu1966_Ala1967insGlu)

Gene: POLE (DNA polymerase epsilon, catalytic subunit; minus strand). Cytogenetic location: 12q24.33.
Variant type: Microsatellite.
Coding change: c.5883GGA[5] on transcript NM_006231.4 (MANE Select); five copies in a row of the 3-base unit GGA starting at c.5883; the reference has four copies in a row; one copy, 3 bases duplicated.
Protein change: p.Glu1966_Ala1967insGlu.
Genome position (GRCh38, 1-based): chr12:132,634,296-132,634,298, TCC duplicated on the plus strand (GGA on the coding strand, the reverse complement: POLE is on the minus strand); duplicating any 3 consecutive bases within chr12:132,634,296-132,634,307 gives the same sequence; the position shown is the placement nearest the transcript's 3' end. VCF-style (leftmost placement, unchanged base first): chr12-132634295-T-TTCC. GRCh37 (hg19) VCF-style: chr12-133210881-T-TTCC.
Other names: c.5892_5894dupGGA (NM_006231.2).
Identifiers: ClinVar variation 3704821 (VCV003704821.3).
Genomic context (GRCh38, chr12:132,634,295, plus strand): 5'-AAACTGCAAAATGTTCCAGTTGTTTTCCAGTAAATCCTCCACGTTGGATTCCTCCGCCTC[T>TTCC]TCCTCCTCCTCCCCATCTCTTTCCTCCTCATCGTCCTCATTTTCCTGCTCATCCTCTGCT-3'